The following is an entry in ClinVar:

NM_012388.4(BLOC1S6):c.31G>A (p.Gly11Arg)

Gene: BLOC1S6 (biogenesis of lysosomal organelles complex 1 subunit 6; plus strand). Cytogenetic location: 15q21.1.
Variant type: single nucleotide variant.
Coding change: c.31G>A on transcript NM_012388.4 (MANE Select); coding-DNA position 31, G replaced by A.
Protein change: p.Gly11Arg; replaces glycine 11 with arginine.
Molecular consequence: missense variant. On other transcripts: non-coding transcript variant (5).
Genome position (GRCh38, 1-based): chr15:45,587,474, G>A. VCF-style: chr15-45587474-G-A. GRCh37 (hg19) VCF-style: chr15-45879672-G-A.
Other names: short protein forms G11R.
Identifiers: ClinVar variation 4704721 (VCV004704721.1).

ClinVar aggregate classification (germline): Uncertain significance (1 of 4 stars; one submission).

Conditions:
Hermansky-Pudlak syndrome 9 (HPS9). Identifiers: Orphanet 280663, Orphanet 79430, MedGen C3280026, MONDO:0013606, OMIM 614171.

gnomAD v4.1: 3 of 1,584,124 alleles (0.00019%); highest among the groups gnomAD compares: South Asian, 0.0023%; no homozygotes.

Submission:

Labcorp Genetics (formerly Invitae), Labcorp
Classification: Uncertain significance for Hermansky-Pudlak syndrome 9. Last evaluated: 2025-08-15. Review status: criteria provided, single submitter. Criteria: Invitae Variant Classification Sherloc (09022015). Collection method: clinical testing. Allele origin: germline.
Comment: This sequence change replaces glycine, which is neutral and non-polar, with arginine, which is basic and polar, at codon 11 of the BLOC1S6 protein (p.Gly11Arg). This variant is not present in population databases (gnomAD no frequency). This variant has not been reported in the literature in individuals affected with BLOC1S6-related conditions. An algorithm developed to predict the effect of missense changes on protein structure and function (PolyPhen-2) suggests that this variant is likely to be tolerated. In summary, the available evidence is currently insufficient to determine the role of this variant in disease. Therefore, it has been classified as a Variant of Uncertain Significance.